The following is an entry in ClinVar:

ClinVar aggregate classification (germline): Uncertain significance (1 of 4 stars; one submission).

gnomAD v4.1: 5 of 1,614,170 alleles (0.00031%); highest among the groups gnomAD compares: Non-Finnish European, 0.00042%; no homozygotes.

Submission:

Ambry Genetics
Classification: Uncertain significance. Last evaluated: 2025-01-23. Review status: criteria provided, single submitter. Criteria: Ambry Variant Classification Scheme 2023. Collection method: clinical testing. Allele origin: germline.
Comment: The p.S200C variant (also known as c.598A>T), located in coding exon 1 of the CDK12 gene, results from an A to T substitution at nucleotide position 598. The serine at codon 200 is replaced by cysteine, an amino acid with dissimilar properties. This amino acid position is conserved. In addition, this alteration is predicted to be tolerated by in silico analysis. Based on the available evidence, the clinical significance of this variant remains unclear.

NM_016507.4(CDK12):c.598A>T (p.Ser200Cys)

Genes: CDK12 (cyclin dependent kinase 12; plus strand), LOC126862553 (CDK7 strongly-dependent group 2 enhancer GRCh37_chr17:37618166-37619365; plus strand). Cytogenetic location: 17q12.
Variant type: single nucleotide variant.
Coding change: c.598A>T on transcript NM_016507.4 (MANE Select); coding-DNA position 598, A replaced by T.
Protein change: p.Ser200Cys; replaces serine 200 with cysteine.
Molecular consequence: missense variant.
Genome position (GRCh38, 1-based): chr17:39,462,669, A>T. VCF-style: chr17-39462669-A-T. GRCh37 (hg19) VCF-style: chr17-37618922-A-T.
Other names: c.598A>T, p.Ser200Cys (NM_015083.4); short protein forms S200C.
Identifiers: ClinVar variation 3830554 (VCV003830554.1).
Genomic context (GRCh38, chr17:39,462,669, plus strand): 5'-CACAAGGAGAAGACCAGGAAAGAACGGGAGCTGAAGTCTGGGCACAAAGACCGGAGTAAA[A>T]GTCATCGAAAAAGGGAAACACCCAAAAGTTACAAAACAGTGGACAGCCCAAAACGGAGAT-3'
Protein context (NP_057591.2, residues 190-210): LKSGHKDRSK[Ser200Cys]HRKRETPKSY